The following is an entry in ClinVar:

ClinVar aggregate classification (germline): Uncertain significance (1 of 4 stars; one submission).

Submission:

Women's Health and Genetics/Laboratory Corporation of America, LabCorp
Classification: Uncertain significance. Last evaluated: 2025-12-12. Review status: criteria provided, single submitter. Criteria: LabCorp Variant Classification Summary - May 2015. Collection method: clinical testing. Allele origin: germline.
Comment: Variant summary: COL5A1 c.1148C>T (p.Thr383Ile) results in a non-conservative amino acid change in the encoded protein sequence. Algorithms developed to predict the effect of missense changes on protein structure and function are either unavailable or do not agree on the potential impact of this missense change. The variant was absent in 249942 control chromosomes. The available data on variant occurrences in the general population are insufficient to allow any conclusion about variant significance. To our knowledge, no occurrence of c.1148C>T in individuals affected with COL5A1-related conditions and no experimental evidence demonstrating its impact on protein function have been reported. No submitters have cited clinical-significance assessments for this variant to ClinVar. Based on the evidence outlined above, the variant was classified as uncertain significance.

NM_000093.5(COL5A1):c.1148C>T (p.Thr383Ile)

Gene: COL5A1 (collagen type V alpha 1 chain; plus strand). Cytogenetic location: 9q34.3.
Variant type: single nucleotide variant.
Coding change: c.1148C>T on transcript NM_000093.5 (MANE Select); coding-DNA position 1148, C replaced by T.
Protein change: p.Thr383Ile; replaces threonine 383 with isoleucine.
Molecular consequence: missense variant.
Genome position (GRCh38, 1-based): chr9:134,730,459, C>T. VCF-style: chr9-134730459-C-T. GRCh37 (hg19) VCF-style: chr9-137622305-C-T.
Other names: c.1148C>T, p.Thr383Ile (NM_001278074.1); short protein forms T383I.
Identifiers: ClinVar variation 4688340 (VCV004688340.1).